The following is an entry in ClinVar:

ClinVar aggregate classification (germline): Likely pathogenic (1 of 4 stars; one submission).

Conditions:
Mitochondrial complex V (ATP synthase) deficiency, nuclear type 2. Also called: Nuclear-Encoded ATPase Deficiency, TMEM70-Related; ENCEPHALOCARDIOMYOPATHY, MITOCHONDRIAL, NEONATAL, DUE TO ATP SYNTHASE DEFICIENCY; MITOCHONDRIAL COMPLEX V (ATP SYNTHASE) DEFICIENCY, TMEM70 TYPE. Identifiers: Orphanet 1194, MedGen C3279699, MONDO:0013546, OMIM 614052.

Submission:

Labcorp Genetics (formerly Invitae), Labcorp
Classification: Likely pathogenic for Mitochondrial complex V (ATP synthase) deficiency, nuclear type 2. Last evaluated: 2023-03-23. Review status: criteria provided, single submitter. Criteria: Invitae Variant Classification Sherloc (09022015). Collection method: clinical testing. Allele origin: germline.
Comment: In summary, the currently available evidence indicates that the variant is pathogenic, but additional data are needed to prove that conclusively. Therefore, this variant has been classified as Likely Pathogenic. A similar copy number variant has been observed in individuals with clinical features of TMEM70-related conditions (PMID: 21815885, 21945727). This variant is a gross deletion of the genomic region encompassing exon(s) 2 of the TMEM70 gene. While this deletion is not anticipated to lead to nonsense mediated decay, it is expected to disrupt the C-terminus of the protein.

Literature cited by the submitters: PubMed 21815885; PubMed 21945727.

NC_000008.10:g.(?_74890971)_(74891116_?)del

Gene: TMEM70 (transmembrane protein 70; plus strand). Cytogenetic location: 8q21.11.
Variant type: Deletion.
Identifiers: ClinVar variation 2426365 (VCV002426365.4).